The following is an entry in ClinVar:

ClinVar aggregate classification (germline): Conflicting classifications of pathogenicity. Review status: criteria provided, conflicting classifications (1 of 4 stars). 3 submissions from 3 submitters: Uncertain significance (2); Likely benign (1). Last evaluated 2026-04-24.

Conditions:
Inborn genetic diseases. Identifiers: MedGen C0950123, MeSH D030342.

Allele frequency attached by ClinVar (database versions not stated): gnomAD 0.00003; ESP Exome Variant Server 0.00031; gnomAD exomes 0.00002; ExAC 0.00008; TOPMed 0.00004.

Submissions (3):

GeneDx
Classification: Uncertain significance. Last evaluated: 2026-04-24. Review status: criteria provided, single submitter. Criteria: GeneDx Variant Classification Process June 2021. Collection method: clinical testing. Allele origin: germline.
Comment: In silico analysis suggests that this missense variant does not alter protein structure/function; Has not been previously published as pathogenic or benign to our knowledge

Labcorp Genetics (formerly Invitae), Labcorp
Classification: Uncertain significance. Last evaluated: 2025-06-12. Review status: criteria provided, single submitter. Criteria: Invitae Variant Classification Sherloc (09022015). Collection method: clinical testing. Allele origin: germline.
Comment: This sequence change replaces threonine, which is neutral and polar, with methionine, which is neutral and non-polar, at codon 319 of the CEACAM16 protein (p.Thr319Met). This variant is present in population databases (rs200295094, gnomAD 0.02%). This variant has not been reported in the literature in individuals affected with CEACAM16-related conditions. ClinVar contains an entry for this variant (Variation ID: 2493764). An algorithm developed to predict the effect of missense changes on protein structure and function outputs the following: PolyPhen-2: "Benign". The methionine amino acid residue is found in multiple mammalian species, which suggests that this missense change does not adversely affect protein function. In summary, the available evidence is currently insufficient to determine the role of this variant in disease. Therefore, it has been classified as a Variant of Uncertain Significance.

Ambry Genetics
Classification: Likely benign for Inborn genetic diseases. Last evaluated: 2023-03-02. Review status: criteria provided, single submitter. Criteria: Ambry Variant Classification Scheme 2023. Collection method: clinical testing. Allele origin: germline.

NM_001039213.4(CEACAM16):c.956C>T (p.Thr319Met)

Genes: CEACAM16 (CEA cell adhesion molecule 16, tectorial membrane component; plus strand), CEACAM16-AS1 (CEACAM16, CEACAM19 and PVR antisense RNA 1; minus strand). Cytogenetic location: 19q13.32.
Variant type: single nucleotide variant.
Coding change: c.956C>T on transcript NM_001039213.4 (MANE Select); coding-DNA position 956, C replaced by T.
Protein change: p.Thr319Met; replaces threonine 319 with methionine.
Molecular consequence: missense variant.
Genome position (GRCh38, 1-based): chr19:44,707,876, C>T. VCF-style: chr19-44707876-C-T. GRCh37 (hg19) VCF-style: chr19-45211148-C-T.
Other names: c.956C>T (NM_001039213.3); short protein forms T319M.
Identifiers: ClinVar variation 2493764 (VCV002493764.5), dbSNP rs200295094, ClinGen allele CA9503196.